The following is an entry in ClinVar:

NM_014363.6(SACS):c.5836T>C (p.Trp1946Arg)

Gene: SACS (sacsin molecular chaperone; minus strand). Cytogenetic location: 13q12.12.
Variant type: single nucleotide variant.
Coding change: c.5836T>C on transcript NM_014363.6 (MANE Select); coding-DNA position 5836, T replaced by C.
Protein change: p.Trp1946Arg; replaces tryptophan 1946 with arginine.
Molecular consequence: missense variant.
Genome position (GRCh38, 1-based): chr13:23,338,040, A>G on the plus strand (T>C on the coding strand, the complement: SACS is on the minus strand). VCF-style: chr13-23338040-A-G. GRCh37 (hg19) VCF-style: chr13-23912179-A-G.
Other names: W1196R; c.5395T>C, p.Trp1799Arg (NM_001278055.2); short protein forms W1799R, W1946R.
Identifiers: ClinVar variation 5517 (VCV000005517.15), dbSNP rs137853017, ClinGen allele CA253513.
Genomic context (GRCh38, chr13:23,338,040, plus strand): 5'-CTTCATAAAATCCTTGGCAAATTACAGAAAAATCATCATGAACTAAATCAGGATCGGGCC[A>G]TACTGCATAGTAAGTATAATCCATTAGCTCCCCACTAGTGGCCAGGTCCCGTAAGACACT-3'
Protein context (NP_055178.3, residues 1936-1956): ELMDYTYYAV[Trp1946Arg]PDPDLVHDDF

ClinVar aggregate classification (germline): Conflicting classifications of pathogenicity. Review status: criteria provided, conflicting classifications (1 of 4 stars). 7 submissions from 7 submitters: Pathogenic (3); Likely pathogenic (1); Uncertain significance (1). 2 of the submissions do not count toward it. Last evaluated 2026-02-04.

Conditions:
SACS-related disorder. Also called: SACS-related condition.
Spastic paraplegia. Identifiers: MedGen C0037772, HP:0001258.
Charlevoix-Saguenay spastic ataxia (SACS). Also called: AUTOSOMAL RECESSIVE SPASTIC ATAXIA OF CHARLEVOIX-SAGUENAY; Spastic ataxia of Charlevoix-Saguenay; SPASTIC ATAXIA 6, AUTOSOMAL RECESSIVE. Identifiers: Orphanet 98, MedGen C1849140, MONDO:0010041, OMIM 270550.

gnomAD v4.1: 1 of 1,613,934 alleles (0.000062%); no homozygotes.

Submissions (7):

Myriad Genetics, Inc.
Classification: Uncertain significance for Charlevoix-Saguenay spastic ataxia. Last evaluated: 2026-02-04. Review status: criteria provided, single submitter. Criteria: Myriad Autosomal Dominant, Autosomal Recessive and X-Linked Classification Criteria (2023). Collection method: clinical testing. Allele origin: unknown.
Comment: NM_014363.4(SACS):c.5836T>C(W1946R) is a missense variant classified as a variant of uncertain significance in the context of autosomal recessive spastic ataxia of Charlevoix-Saguenay. W1946R has been observed in cases with relevant disease (PMID: 12873855, 23250129). Relevant functional assessments of this variant are not available in the literature. W1946R has not been observed in referenced population frequency databases. In summary, there is insufficient evidence to classify NM_014363.4(SACS):c.5836T>C(W1946R) as pathogenic or benign. Please note: this variant was assessed in the context of healthy population screening.

Natera, Inc.
Classification: Likely pathogenic for Charlevoix-Saguenay type spastic ataxia. Last evaluated: 2024-07-29. Review status: criteria provided, single submitter. Criteria: Natera Variant Classification Schema (03/2026). Collection method: clinical testing. Allele origin: germline.
Comment: The c.5836T>C variant in SACS is a missense variant predicted to cause substitution of tryptophan to arginine at amino acid 1946. This variant is rare in the general population with a frequency below the threshold expected for the associated phenotype(s). This variant has been observed in one or more individuals affected with the associated recessive disease, as either homozygous or compound heterozygous with a second variant (PMID: 23250129, 12873855). Additionally, this variant has been observed to segregate in affected family members (PMID: 12873855). Computational prediction algorithms indicate this variant is likely to affect gene or protein function. Given the available evidence, this variant is classified as Likely Pathogenic.

Labcorp Genetics (formerly Invitae), Labcorp
Classification: Pathogenic for Spastic paraplegia. Last evaluated: 2023-10-06. Review status: criteria provided, single submitter. Criteria: Invitae Variant Classification Sherloc (09022015). Collection method: clinical testing. Allele origin: germline.
Comment: This sequence change replaces tryptophan, which is neutral and slightly polar, with arginine, which is basic and polar, at codon 1946 of the SACS protein (p.Trp1946Arg). This variant is not present in population databases (gnomAD no frequency). This missense change has been observed in individuals with SACS-related conditions (PMID: 12873855, 23250129). It has also been observed to segregate with disease in related individuals. This variant is also known as c.3662T>C, p.Trp1196Arg. ClinVar contains an entry for this variant (Variation ID: 5517). Advanced modeling of protein sequence and biophysical properties (such as structural, functional, and spatial information, amino acid conservation, physicochemical variation, residue mobility, and thermodynamic stability) performed at Invitae indicates that this missense variant is expected to disrupt SACS protein function. For these reasons, this variant has been classified as Pathogenic.

Women's Health and Genetics/Laboratory Corporation of America, LabCorp
Classification: Pathogenic for Charlevoix-Saguenay spastic ataxia. Last evaluated: 2022-11-12. Review status: criteria provided, single submitter. Criteria: LabCorp Variant Classification Summary - May 2015. Collection method: clinical testing. Allele origin: germline.
Comment: Variant summary: SACS c.5836T>C (p.Trp1946Arg) results in a non-conservative amino acid change in the encoded protein sequence. Five of five in-silico tools predict a damaging effect of the variant on protein function. The variant was absent in 250862 control chromosomes (gnomAD). c.5836T>C has been reported in the literature as a biallelic genotype in multiple individuals affected with Autosomal Recessive Spastic Ataxia Of Charlevoix-Saguenay (e.g. El Euch-Fayache_2003, Thiffault_2013). These data indicate that the variant is very likely to be associated with disease. To our knowledge, no experimental evidence demonstrating an impact on protein function has been reported. One ClinVar submitter has assessed the variant since 2014: the variant was classified as pathogenic. Based on the evidence outlined above, the variant was classified as pathogenic.

PROSPAX: an integrated multimodal progression  chart in spastic ataxias, Center for Neurology; Hertie-Institute for Clinical Brain Research
Classification: Pathogenic for Charlevoix-Saguenay spastic ataxia. Last evaluated: 2022-01-01. Review status: criteria provided, single submitter. Criteria: ACMG Guidelines, 2015. Collection method: research. Allele origin: germline. Affected: yes.
Comment: Variant seen in compound het: [c.8844delT;c.5836T>C],[c.5836T>C;c.238_239insA]

PreventionGenetics, part of Exact Sciences
Classification: Likely pathogenic for SACS-related condition. Last evaluated: 2024-01-03. Review status: no assertion criteria provided. Collection method: clinical testing. Allele origin: germline. Not counted in ClinVar's aggregate classification.
Comment: The SACS c.5836T>C variant is predicted to result in the amino acid substitution p.Trp1946Arg. This variant was reported in the homozygous state in 3 affected siblings with Charlevoix-Saguenay spastic ataxia and was heterozygous or not present in 3 unaffected siblings (Reported as 3662T>C in El Euch-Fayache et al 2003. PubMed ID: 12873855). This variant has not been reported in a large population database, indicating this variant is rare. This variant is interpreted as likely pathogenic.

OMIM
Classification: Pathogenic for SPASTIC ATAXIA, CHARLEVOIX-SAGUENAY TYPE. Last evaluated: 2003-07-01. Review status: no assertion criteria provided. Collection method: literature only. Allele origin: germline. Not counted in ClinVar's aggregate classification.

Literature cited by the submitters: PubMed 12873855 (cited by 5 submitters); PubMed 23250129 (cited by 4 submitters).